The following is an entry in ClinVar:

NM_031476.4(CRISPLD2):c.573G>A (p.Glu191=)

Gene: CRISPLD2 (cysteine rich secretory protein LCCL domain containing 2; plus strand). Cytogenetic location: 16q24.1.
Variant type: single nucleotide variant.
Coding change: c.573G>A on transcript NM_031476.4 (MANE Select); coding-DNA position 573, G replaced by A.
Protein change: p.Glu191=; no amino-acid change (glutamic acid 191 retained).
Molecular consequence: synonymous variant.
Genome position (GRCh38, 1-based): chr16:84,850,648, G>A. VCF-style: chr16-84850648-G-A. GRCh37 (hg19) VCF-style: chr16-84884254-G-A.
Identifiers: ClinVar variation 3048360 (VCV003048360.2), dbSNP rs147475865, ClinGen allele CA8211594.

ClinVar aggregate classification (germline): Likely benign (0 of 4 stars; one submission).

Conditions:
CRISPLD2-related disorder. Also called: CRISPLD2-related condition.

Allele frequency attached by ClinVar (database versions not stated): ESP Exome Variant Server 0.00015; 1000 Genomes Project 30x 0.00016; 1000 Genomes Project 0.00020; gnomAD 0.00024; ExAC 0.00026; gnomAD exomes 0.00033; TOPMed 0.00034.
gnomAD v4.1: 528 of 1,614,164 alleles (0.033%); highest among the groups gnomAD compares: Admixed American, 0.067%; 1 homozygote.

Submission:

PreventionGenetics, part of Exact Sciences
Classification: Likely benign for CRISPLD2-related condition. Last evaluated: 2020-03-25. Review status: no assertion criteria provided. Collection method: clinical testing. Allele origin: germline.
Comment: This variant is classified as likely benign based on ACMG/AMP sequence variant interpretation guidelines (Richards et al. 2015 PMID: 25741868, with internal and published modifications).